The following is an entry in ClinVar:

NM_004606.5(TAF1):c.5291G>A (p.Arg1764His)

Gene: TAF1 (TATA-box binding protein associated factor 1; plus strand). Cytogenetic location: Xq13.1.
Variant type: single nucleotide variant.
Coding change: c.5291G>A on transcript NM_004606.5 (MANE Select); coding-DNA position 5291, G replaced by A.
Protein change: p.Arg1764His; replaces arginine 1764 with histidine.
Molecular consequence: missense variant. On other transcripts: non-coding transcript variant (9).
Genome position (GRCh38, 1-based): chrX:71,460,695, G>A. VCF-style: chrX-71460695-G-A. GRCh37 (hg19) VCF-style: chrX-70680545-G-A.
Other names: c.5297G>A, p.Arg1766His (NM_001286074.2); c.5228G>A, p.Arg1743His (NM_138923.4); short protein forms R1764H, R1743H, R1766H.
Identifiers: ClinVar variation 807759 (VCV000807759.43), dbSNP rs758066597, ClinGen allele CA10447375.

ClinVar aggregate classification (germline): Conflicting classifications of pathogenicity. Review status: criteria provided, conflicting classifications (1 of 4 stars). 2 submissions from 2 submitters: Uncertain significance (1); Likely benign (1). Last evaluated 2025-10-01.

Allele frequency attached by ClinVar (database versions not stated): gnomAD exomes 0.00003 and 0.00004; ExAC 0.00004; gnomAD 0.00007 and 0.00008; TOPMed 0.00007.
gnomAD v4.1: 50 of 1,208,947 alleles (0.0041%); highest among the groups gnomAD compares: African/African-American, 0.0087%; no homozygotes.

Submissions (2):

CeGaT Center for Human Genetics Tuebingen
Classification: Likely benign. Last evaluated: 2025-10-01. Review status: criteria provided, single submitter. Criteria: CeGaT Center For Human Genetics Tuebingen Variant Classification Criteria Version 2. Collection method: clinical testing. Allele origin: germline. Affected: yes. Observed: 4 variant alleles.
Comment: TAF1: BP4, BS2

Labcorp Genetics (formerly Invitae), Labcorp
Classification: Uncertain significance. Last evaluated: 2023-05-26. Review status: criteria provided, single submitter. Criteria: Invitae Variant Classification Sherloc (09022015). Collection method: clinical testing. Allele origin: germline.
Comment: This variant has not been reported in the literature in individuals affected with TAF1-related conditions. In summary, the available evidence is currently insufficient to determine the role of this variant in disease. Therefore, it has been classified as a Variant of Uncertain Significance. Algorithms developed to predict the effect of missense changes on protein structure and function output the following: SIFT: "Not Available"; PolyPhen-2: "Benign"; Align-GVGD: "Not Available". The histidine amino acid residue is found in multiple mammalian species, which suggests that this missense change does not adversely affect protein function. ClinVar contains an entry for this variant (Variation ID: 807759). The frequency data for this variant in the population databases is considered unreliable, as metrics indicate poor data quality at this position in the gnomAD database. This sequence change replaces arginine, which is basic and polar, with histidine, which is basic and polar, at codon 1784 of the TAF1 protein (p.Arg1784His).